The following is an entry in ClinVar:

NM_000059.4(BRCA2):c.6637T>C (p.Ser2213Pro)

Gene: BRCA2 (BRCA2 DNA repair associated; plus strand). Cytogenetic location: 13q13.1.
Variant type: single nucleotide variant.
Coding change: c.6637T>C on transcript NM_000059.4 (MANE Select); coding-DNA position 6637, T replaced by C.
Protein change: p.Ser2213Pro; replaces serine 2213 with proline.
Molecular consequence: missense variant.
Genome position (GRCh38, 1-based): chr13:32,340,992, T>C. VCF-style: chr13-32340992-T-C. GRCh37 (hg19) VCF-style: chr13-32915129-T-C.
Other names: short protein forms S2213P.
Identifiers: ClinVar variation 52142 (VCV000052142.16), dbSNP rs80358890, ClinGen allele CA024236.

ClinVar aggregate classification (germline): Conflicting classifications of pathogenicity. Review status: criteria provided, conflicting classifications (1 of 4 stars). 5 submissions from 5 submitters: Uncertain significance (3); Likely benign (1). 1 of the submissions does not count toward it. Last evaluated 2025-07-28.

Conditions:
Hereditary cancer-predisposing syndrome. Also called: Neoplastic Syndromes, Hereditary; Tumor predisposition; Hereditary neoplastic syndrome; Hereditary Cancer Syndrome. Identifiers: Orphanet 140162, MedGen C0027672, MeSH D009386, MONDO:0015356.
Hereditary breast ovarian cancer syndrome. Also called: Hereditary breast and ovarian cancer syndrome; Hereditary breast and ovarian cancer; Hereditary breast and ovarian cancer syndrome (HBOC); Breast and ovarian cancer; Hereditary breast and/or ovarian cancer syndrome; BRCA1- and BRCA2-Associated Hereditary Breast and Ovarian Cancer. Identifiers: Orphanet 145, MedGen C0677776, MeSH D061325, MONDO:0003582. Disease mechanism: loss of function.
Breast-ovarian cancer, familial, susceptibility to, 2 (BROVCA2). Also called: BRCA2 Hereditary Breast and Ovarian Cancer. Identifiers: Orphanet 145, MedGen C2675520, MONDO:0012933, OMIM 612555. Disease mechanism: loss of function.

Submissions (5):

Labcorp Genetics (formerly Invitae), Labcorp
Classification: Uncertain significance for Hereditary breast ovarian cancer syndrome. Last evaluated: 2025-07-28. Review status: criteria provided, single submitter. Criteria: Invitae Variant Classification Sherloc (09022015). Collection method: clinical testing. Allele origin: germline.
Comment: This sequence change replaces serine, which is neutral and polar, with proline, which is neutral and non-polar, at codon 2213 of the BRCA2 protein (p.Ser2213Pro). This variant is not present in population databases (gnomAD no frequency). This missense change has been observed in individual(s) with breast cancer (PMID: 30287823). ClinVar contains an entry for this variant (Variation ID: 52142). Invitae Evidence Modeling of protein sequence and biophysical properties (such as structural, functional, and spatial information, amino acid conservation, physicochemical variation, residue mobility, and thermodynamic stability) indicates that this missense variant is not expected to disrupt BRCA2 protein function with a negative predictive value of 95%. In summary, the available evidence is currently insufficient to determine the role of this variant in disease. Therefore, it has been classified as a Variant of Uncertain Significance.

Women's Health and Genetics/Laboratory Corporation of America, LabCorp
Classification: Uncertain significance. Last evaluated: 2025-04-09. Review status: criteria provided, single submitter. Criteria: LabCorp Variant Classification Summary - May 2015. Collection method: clinical testing. Allele origin: germline.
Comment: Variant summary: BRCA2 c.6637T>C (p.Ser2213Pro) results in a non-conservative amino acid change in the encoded protein sequence. Four of five in-silico tools predict a benign effect of the variant on protein function. The variant allele was found at a frequency of 3e-05 in 295768 control chromosomes (gnomAD and Momozawa_2018). In a case-control association study the variant was found at a similar frequency in female breast cancer patients (5/7051) and controls (6/11241) of Japanese ancestry, and the variant was indicated to not be associated with an increased cancer risk (Momozawa_2018).. To our knowledge, no experimental evidence demonstrating an impact on protein function has been reported. ClinVar contains an entry for this variant (Variation ID: 52142). Based on the evidence outlined above, the variant was classified as VUS-possibly benign.

University of Washington Department of Laboratory Medicine, University of Washington
Classification: Likely benign for Hereditary cancer-predisposing syndrome. Last evaluated: 2023-03-23. Review status: criteria provided, single submitter. Criteria: Dines et al. (Genet Med. 2020). Collection method: curation. Allele origin: germline.
Comment: Missense variant in a coldspot region where missense variants are very unlikely to be pathogenic (PMID:31911673).

BRCA2 exon 11 coldspot. Reclassification based on statistical prior probability.

Ambry Genetics
Classification: Uncertain significance for Hereditary cancer-predisposing syndrome. Last evaluated: 2021-02-26. Review status: criteria provided, single submitter. Criteria: Ambry Variant Classification Scheme 2023. Collection method: clinical testing. Allele origin: germline.
Comment: The p.S2213P variant (also known as c.6637T>C), located in coding exon 10 of the BRCA2 gene, results from a T to C substitution at nucleotide position 6637. The serine at codon 2213 is replaced by proline, an amino acid with similar properties. This alteration was also observed with an allele frequency of 0.00071 in 7,051 unselected female breast cancer patients and was observed with an allele frequency of 0.00053 in 11,241 female controls of Japanese ancestry. In addition, it was not observed in unselected male breast cancer patients and was observed with an allele frequency of 0.0002 in 12490 male controls of Japanese ancestry (Momozawa Y et al. Nat Commun, 2018 10;9:4083). This amino acid position is not well conserved in available vertebrate species. In addition, the in silico prediction for this alteration is inconclusive. Since supporting evidence is limited at this time, the clinical significance of this alteration remains unclear.

Breast Cancer Information Core (BIC) (BRCA2)
Classification: Uncertain significance for Breast-ovarian cancer, familial 2. Last evaluated: 2003-12-23. Review status: no assertion criteria provided. Collection method: clinical testing. Allele origin: germline. Affected: yes. Observed: 1 variant allele. Not counted in ClinVar's aggregate classification.

Literature cited by the submitters: PubMed 30287823 (cited by 3 submitters); PubMed 31608315 (cited by Women's Health and Genetics/Laboratory Corporation of America, LabCorp and Ambry Genetics).